The following is an entry in ClinVar:

ClinVar aggregate classification (germline): Likely benign. Review status: criteria provided, multiple submitters, no conflicts (2 of 4 stars). 3 submissions from 3 submitters: Likely benign (3). Last evaluated 2026-05-01.

Allele frequency attached by ClinVar (database versions not stated): 1000 Genomes Project 30x 0.00141; TOPMed 0.00147; 1000 Genomes Project 0.00160; gnomAD 0.00288 and 0.00294; gnomAD exomes 0.00309 and 0.00358; ExAC 0.00420.
gnomAD v4.1: 4,929 of 1,613,552 alleles (0.31%); highest among the groups gnomAD compares: Non-Finnish European, 0.28%; 14 homozygotes.

Submissions (3):

CeGaT Center for Human Genetics Tuebingen
Classification: Likely benign. Last evaluated: 2026-05-01. Review status: criteria provided, single submitter. Criteria: CeGaT Center For Human Genetics Tuebingen Variant Classification Criteria Version 2. Collection method: clinical testing. Allele origin: germline. Affected: yes. Observed: 23 variant alleles.
Comment: MBD5: BP4, BS1

GeneDx
Classification: Likely benign. Last evaluated: 2018-06-14. Review status: criteria provided, single submitter. Criteria: GeneDx Variant Classification (06012015). Collection method: clinical testing. Allele origin: germline. Affected: yes.
Comment: This variant is considered likely benign or benign based on one or more of the following criteria: it is a conservative change, it occurs at a poorly conserved position in the protein, it is predicted to be benign by multiple in silico algorithms, and/or has population frequency not consistent with disease.

Breakthrough Genomics
Classification: Likely benign. Review status: criteria provided, single submitter. Criteria: ACMG Guidelines, 2015. Collection method: not provided. Allele origin: germline. Inheritance: Autosomal dominant inheritance. Affected: yes.

NM_001378120.1(MBD5):c.2903C>A (p.Ala968Asp)

Gene: MBD5 (methyl-CpG binding domain protein 5; plus strand). Cytogenetic location: 2q23.1.
Variant type: single nucleotide variant.
Coding change: c.2903C>A on transcript NM_001378120.1 (MANE Select); coding-DNA position 2903, C replaced by A.
Protein change: p.Ala968Asp; replaces alanine 968 with aspartic acid.
Molecular consequence: missense variant. On other transcripts: intron variant (1).
Genome position (GRCh38, 1-based): chr2:148,483,494, C>A. VCF-style: chr2-148483494-C-A. GRCh37 (hg19) VCF-style: chr2-149241063-C-A.
Other names: c.2845+58C>A (NM_018328.5); short protein forms A968D.
Identifiers: ClinVar variation 675624 (VCV000675624.28), dbSNP rs72861124, ClinGen allele CA1900236.